The following is an entry in ClinVar:

ClinVar aggregate classification (germline): Likely pathogenic (1 of 4 stars; one submission).

Submission:

GeneDx
Classification: Likely pathogenic. Last evaluated: 2017-05-31. Review status: criteria provided, single submitter. Criteria: GeneDx Variant Classification (06012015). Collection method: clinical testing. Allele origin: germline. Affected: yes.
Comment: The E283X in the SUFU gene has not been published as a pathogenic variant, nor has it been reported as a benign variant to our knowledge. The substitution creates a nonsense variant, which changes a Glutamic Acid to a premature stop codon (GAG>TAG), and is predicted to cause loss of normal protein function through either protein truncation or nonsense-mediated mRNA decay. The E283X variant is not observed in large population cohorts (Lek et al., 2016; 1000 Genomes Consortium et al., 2015; Exome Variant Server). Based on currently available evidence, we interpret E283X as a likely pathogenic variant.

NM_016169.4(SUFU):c.847G>T (p.Glu283Ter)

Gene: SUFU (SUFU negative regulator of hedgehog signaling; plus strand). Cytogenetic location: 10q24.32.
Variant type: single nucleotide variant.
Coding change: c.847G>T on transcript NM_016169.4 (MANE Select); coding-DNA position 847, G replaced by T.
Protein change: p.Glu283Ter; replaces glutamic acid 283 with a stop codon.
Molecular consequence: nonsense.
Genome position (GRCh38, 1-based): chr10:102,597,230, G>T. VCF-style: chr10-102597230-G-T. GRCh37 (hg19) VCF-style: chr10-104356987-G-T.
Other names: c.847G>T, p.Glu283Ter (NM_001178133.2); short protein forms E283*.
Identifiers: ClinVar variation 432340 (VCV000432340.2), dbSNP rs1554852789, ClinGen allele CA377910608.
Genomic context (GRCh38, chr10:102,597,230, plus strand): 5'-GGCTCCAACCTGAGTGGTGTCAGTGCCAAGTGTGCCTGGGATGACCTGAGCCGGCCCCCC[G>T]AGGATGACGAGGACAGCCGGAGCATCTGCATCGGCACACAGCCCCGGCGACTCTCTGGCA-3'